The following is an entry in ClinVar:

NM_001035.3(RYR2):c.13581G>A (p.Val4527=)

Gene: RYR2 (ryanodine receptor 2; plus strand). Cytogenetic location: 1q43.
Variant type: single nucleotide variant.
Coding change: c.13581G>A on transcript NM_001035.3 (MANE Select); coding-DNA position 13581, G replaced by A.
Protein change: p.Val4527=; no amino-acid change (valine 4527 retained).
Molecular consequence: synonymous variant.
Genome position (GRCh38, 1-based): chr1:237,792,122, G>A. VCF-style: chr1-237792122-G-A. GRCh37 (hg19) VCF-style: chr1-237955422-G-A.
Identifiers: ClinVar variation 3713815 (VCV003713815.3).

ClinVar aggregate classification (germline): Uncertain significance. Review status: criteria provided, multiple submitters, no conflicts (2 of 4 stars). 2 submissions from 2 submitters: Uncertain significance (2). Last evaluated 2025-08-04.

Conditions:
Catecholaminergic polymorphic ventricular tachycardia 1. Also called: VENTRICULAR TACHYCARDIA, STRESS-INDUCED POLYMORPHIC 1; VENTRICULAR TACHYCARDIA, CATECHOLAMINERGIC POLYMORPHIC, 1, WITH OR WITHOUT ATRIAL DYSFUNCTION AND/OR DILATED CARDIOMYOPATHY; RYR2-Related Catecholaminergic Polymorphic Ventricular Tachycardia. Identifiers: Orphanet 3286, MedGen C1631597, MONDO:0011484, OMIM 604772.
Cardiomyopathy (CMYO). Also called: Cardiomyopathies. Identifiers: Orphanet 167848, MedGen C0878544, MONDO:0004994, HP:0001638. Inheritance: Various modes of inheritance.

gnomAD v4.1: 1 of 1,599,318 alleles (0.000063%); highest among the groups gnomAD compares: South Asian, 0.0011%; no homozygotes.

Submissions (2):

Color Diagnostics, LLC DBA Color Health
Classification: Uncertain significance for Cardiomyopathy. Last evaluated: 2025-08-04. Review status: criteria provided, single submitter. Criteria: ACMG Guidelines, 2015. Collection method: clinical testing. Allele origin: germline.
Comment: This variant is located in the RYR2 protein. To our knowledge, functional studies have not been reported for this variant. This variant has not been reported in individuals affected with RYR2-related disorders in the literature. This variant has not been identified in the general population by the Genome Aggregation Database (gnomAD). The available evidence is insufficient to determine the role of this variant in disease conclusively. Therefore, this variant is classified as a Variant of Uncertain Significance.

Labcorp Genetics (formerly Invitae), Labcorp
Classification: Uncertain significance for Catecholaminergic polymorphic ventricular tachycardia 1. Last evaluated: 2025-07-20. Review status: criteria provided, single submitter. Criteria: Invitae Variant Classification Sherloc (09022015). Collection method: clinical testing. Allele origin: germline.
Comment: This sequence change affects codon 4527 of the RYR2 mRNA. It is a 'silent' change, meaning that it does not change the encoded amino acid sequence of the RYR2 protein. This variant is not present in population databases (gnomAD no frequency). This variant has not been reported in the literature in individuals affected with RYR2-related conditions. ClinVar contains an entry for this variant (Variation ID: 3713815). Algorithms developed to predict the effect of sequence changes on RNA splicing suggest that this variant may create or strengthen a splice site. In summary, the available evidence is currently insufficient to determine the role of this variant in disease. Therefore, it has been classified as a Variant of Uncertain Significance.